The following is an entry in ClinVar:

ClinVar aggregate classification (germline): Pathogenic. Review status: criteria provided, multiple submitters, no conflicts (2 of 4 stars). 10 submissions from 10 submitters: Pathogenic (7). 3 of the submissions do not count toward it. Last evaluated 2026-01-06.

Conditions:
MTTP-related disorder. Also called: MTTP-related condition.
Abetalipoproteinaemia (ABL). Also called: Abetalipoproteinemia neuropathy; Apolipoprotein B deficiency; Congenital betalipoprotein deficiency syndrome; Abetalipoproteinemia; MTP DEFICIENCY. Identifiers: Orphanet 14, MedGen C0000744, MONDO:0008692, OMIM 200100, HP:0008181.

Allele frequency attached by ClinVar (database versions not stated): ExAC 0.00007; TOPMed 0.00008; gnomAD exomes 0.00012 and 0.00006; gnomAD 0.00004.
gnomAD v4.1: 99 of 1,614,010 alleles (0.0061%); highest among the groups gnomAD compares: Non-Finnish European, 0.0015%; no homozygotes.

Submissions (10):

Labcorp Genetics (formerly Invitae), Labcorp
Classification: Pathogenic. Last evaluated: 2026-01-06. Review status: criteria provided, single submitter. Criteria: Invitae Variant Classification Sherloc (09022015). Collection method: clinical testing. Allele origin: germline.
Comment: This sequence change creates a premature translational stop signal (p.Gly865*) in the MTTP gene. While this is not anticipated to result in nonsense mediated decay, it is expected to disrupt the last 30 amino acid(s) of the MTTP protein. This variant is present in population databases (rs146064714, gnomAD 0.3%). This premature translational stop signal has been observed in individuals with MTTP-related conditions and abetalipoproteinaemia (PMID: 7782284, 8533758, 10679949, 17275380, 20592474, 27271787). It has also been observed to segregate with disease in related individuals. ClinVar contains an entry for this variant (Variation ID: 14243). Algorithms developed to predict the effect of variants on gene product structure and function are not available or were not evaluated for this variant. Experimental studies have shown that this premature translational stop signal affects MTTP function (PMID: 7782284). For these reasons, this variant has been classified as Pathogenic.

PreventionGenetics, part of Exact Sciences
Classification: Pathogenic for MTTP-related condition. Last evaluated: 2025-08-18. Review status: criteria provided, single submitter. Criteria: ACMG Guidelines, 2015. Collection method: clinical testing. Allele origin: germline.
Comment: The MTTP c.2593G>T variant is predicted to result in premature protein termination (p.Gly865*). This variant has been reported in the homozygous and compound heterozygous state in individuals with autosomal recessive abetalipoproteinemia (see, for example, Ricci et al. 1995. PubMed ID: 7782284; Benayoun et al. 2007. PubMed ID: 17275380; Table S1, Zeissig et al. 2010. PubMed ID: 20592474; Valmiki et al. 2025. PubMed ID: 39672332). It resides in the final exon of the gene and is not predicted to undergo nonsense-mediated decay. Functional studies demonstrate that loss of the final 30 amino acids disrupts interaction with protein disulfide-isomerase to cause abetalipoproteinemia (Ricci et al. 1995. PubMed ID: 7782284). This variant is reported in 0.27% of alleles in individuals of Ashkenazi Jewish descent in gnomAD and is considered a founder mutation in this population (Benayoun et al. 2007. PubMed ID: 17275380). This variant is interpreted as pathogenic.

Fulgent Genetics
Classification: Pathogenic for Abetalipoproteinaemia. Last evaluated: 2023-12-26. Review status: criteria provided, single submitter. Criteria: ACMG Guidelines, 2015. Collection method: clinical testing. Allele origin: germline.

Cardiovascular Genetics Laboratory, PathWest Laboratory Medicine WA - Fiona Stanley Hospital
Classification: Pathogenic for Abetalipoproteinaemia. Last evaluated: 2023-09-11. Review status: criteria provided, single submitter. Criteria: ACMG Guidelines, 2015. Collection method: clinical testing. Allele origin: germline. Affected: yes.
Comment: The MTTP p.Gly865* nonsense variant has previously been identified in multiple cohorts of abetalipoproteinaemia patients and is pathogenic. It is present at a very low frequency in the gnomAD population database and is considered a founder variant in the Ashkenazi Jewish population. MTTP p.Gly865* is predicted to cause loss of normal protein function through microsomal triglyceride-transfer-protein (MTTP) protein truncation (with the loss of the C-terminal 30 amino acids of the protein). Ricci et al. suggested the absence of MTTP activity and protein observed in a homozygous patient may be a result of disruption of MTTP binding to protein disulfide-isomerase (PDI) to form a stable, soluble complex (PMID:7782284).

GeneDx
Classification: Pathogenic. Last evaluated: 2022-09-12. Review status: criteria provided, single submitter. Criteria: GeneDx Variant Classification Process June 2021. Collection method: clinical testing. Allele origin: germline. Affected: yes.
Comment: Published functional studies demonstrate disruption of the normal binding of the MTP protein with protein disulfide isomerase (PDI), indicating that the last 30 amino acid residues are required for the formation of the MTP-PDI complex (Ricci et al., 1995; Rehberg et al., 1996); Nonsense variant in the C-terminus predicted to result in protein truncation, as the last 30 amino acids are lost; This variant is associated with the following publications: (PMID: 27415407, 8939939, 7782284, 25552696, 27271787, 23475612, 23556456, 10679949, 31589614, 32041611, 17275380, 20592474)

Blueprint Genetics
Classification: Pathogenic for MTTP-related disorders. Last evaluated: 2021-07-09. Review status: criteria provided, single submitter. Criteria: ACMG Guidelines, 2015. Collection method: clinical testing. Allele origin: germline. Affected: yes. Observed: 1 variant allele.

Women's Health and Genetics/Laboratory Corporation of America, LabCorp
Classification: Pathogenic for Abetalipoproteinaemia. Last evaluated: 2017-06-19. Review status: criteria provided, single submitter. Criteria: LabCorp Variant Classification Summary - May 2015. Collection method: clinical testing. Allele origin: germline.
Comment: Variant summary: The MTTP c.2593G>T (p.Gly865X) variant results in a premature termination codon, predicted to cause a truncated or absent MTTP protein due to nonsense mediated decay, which are commonly known mechanisms for disease. One in silico tool predicts a damaging outcome for this variant. This variant was found in 11/122676 control chromosomes at a frequency of 0.0000897, which does not exceed the estimated maximal expected allele frequency of a pathogenic MTTP variant (0.0010607). In the Gnomad control database which has additional ethnic subgroups, almost all carriers for this variant were of Ashkenazi Jewish origin, which supports literature evidence that this variant may be an AJ founder mutation (Benayoun_2007). The variant has been reported in numerous individuals in the literature in the homozygous state, and has been reported to result in the complete absence of MTP activity in in vitro studies and patient intestinal biopsy samples (Ricci_1995). Taken together, this variant is classified as pathogenic.

Natera, Inc.
Classification: Pathogenic for Abetalipoproteinemia. Last evaluated: 2020-09-16. Review status: no assertion criteria provided. Collection method: clinical testing. Allele origin: germline. Not counted in ClinVar's aggregate classification.

Counsyl
Classification: Pathogenic for Abetalipoproteinaemia. Last evaluated: 2017-07-24. Review status: no assertion criteria provided. Collection method: clinical testing. Allele origin: unknown. Not counted in ClinVar's aggregate classification.

OMIM
Classification: Pathogenic for ABETALIPOPROTEINEMIA. Last evaluated: 2007-04-01. Review status: no assertion criteria provided. Collection method: literature only. Allele origin: germline. Not counted in ClinVar's aggregate classification.

Literature cited by the submitters: PubMed 7782284 (cited by 4 submitters); PubMed 8533758 (cited by Labcorp Genetics (formerly Invitae), Labcorp and Women's Health and Genetics/Laboratory Corporation of America, LabCorp); PubMed 10679949 (cited by 3 submitters); PubMed 17275380 (cited by 4 submitters); PubMed 20592474 (cited by Labcorp Genetics (formerly Invitae), Labcorp); PubMed 27271787 (cited by Labcorp Genetics (formerly Invitae), Labcorp).

NM_001386140.1(MTTP):c.2593G>T (p.Gly865Ter)

Gene: MTTP (microsomal triglyceride transfer protein; plus strand). Cytogenetic location: 4q23.
Variant type: single nucleotide variant.
Coding change: c.2593G>T on transcript NM_001386140.1 (MANE Select); coding-DNA position 2593, G replaced by T.
Protein change: p.Gly865Ter; replaces glycine 865 with a stop codon.
Molecular consequence: nonsense.
Genome position (GRCh38, 1-based): chr4:99,622,756, G>T. VCF-style: chr4-99622756-G-T. GRCh37 (hg19) VCF-style: chr4-100543913-G-T.
Other names: c.2593G>T, p.Gly865Ter (NM_000253.4); c.2344G>T, p.Gly782Ter (NM_001300785.2); short protein forms G865*, G782*.
Identifiers: ClinVar variation 14243 (VCV000014243.20), dbSNP rs146064714, ClinGen allele CA123825.